The following is an entry in ClinVar:

ClinVar aggregate classification (germline): Uncertain significance. Review status: criteria provided, multiple submitters, no conflicts (2 of 4 stars). 2 submissions from 2 submitters: Uncertain significance (2). Last evaluated 2026-02-26.

Conditions:
Inborn genetic diseases. Identifiers: MedGen C0950123, MeSH D030342.

Allele frequency attached by ClinVar (database versions not stated): gnomAD exomes 0.00001.
gnomAD v4.1: 17 of 1,613,412 alleles (0.0011%); highest among the groups gnomAD compares: Non-Finnish European, 0.0014%; no homozygotes.

Submissions (2):

Ambry Genetics
Classification: Uncertain significance for Inborn genetic diseases. Last evaluated: 2026-02-26. Review status: criteria provided, single submitter. Criteria: Ambry Variant Classification Scheme 2023. Collection method: clinical testing. Allele origin: germline.

Labcorp Genetics (formerly Invitae), Labcorp
Classification: Uncertain significance. Last evaluated: 2021-04-24. Review status: criteria provided, single submitter. Criteria: Invitae Variant Classification Sherloc (09022015). Collection method: clinical testing. Allele origin: germline.
Comment: Algorithms developed to predict the effect of missense changes on protein structure and function (SIFT, PolyPhen-2, Align-GVGD) all suggest that this variant is likely to be tolerated, but these predictions have not been confirmed by published functional studies and their clinical significance is uncertain. In summary, the available evidence is currently insufficient to determine the role of this variant in disease. Therefore, it has been classified as a Variant of Uncertain Significance. This variant is not present in population databases (ExAC no frequency). This variant has not been reported in the literature in individuals with PRPF31-related conditions. This sequence change replaces lysine with glutamic acid at codon 315 of the PRPF31 protein (p.Lys315Glu). The lysine residue is moderately conserved and there is a small physicochemical difference between lysine and glutamic acid.

NM_015629.4(PRPF31):c.943A>G (p.Lys315Glu)

Gene: PRPF31 (pre-mRNA processing factor 31; plus strand). Cytogenetic location: 19q13.42.
Variant type: single nucleotide variant.
Coding change: c.943A>G on transcript NM_015629.4 (MANE Select); coding-DNA position 943, A replaced by G.
Protein change: p.Lys315Glu; replaces lysine 315 with glutamic acid.
Molecular consequence: missense variant.
Genome position (GRCh38, 1-based): chr19:54,126,615, A>G. VCF-style: chr19-54126615-A-G. GRCh37 (hg19) VCF-style: chr19-54629990-A-G.
Other names: c.943A>G (NM_015629.3); short protein forms K315E.
Identifiers: ClinVar variation 1490058 (VCV001490058.9), dbSNP rs1466225729, ClinGen allele CA407751950.
Genomic context (GRCh38, chr19:54,126,615, plus strand): 5'-GTGGCCGCCAAGTGCACACTGGCAGCCCGTGTGGACAGTTTCCACGAGAGCACAGAAGGG[A>G]AGGTGAGGAGGGAAAGGTGAGGGGCGGCCGGGCGTCTTTTCCTCTGGGCCTGGGGTGTCT-3'
Protein context (NP_056444.3, residues 305-325): VDSFHESTEG[Lys315Glu]VGYELKDEIE